The following is an entry in ClinVar:

NM_021625.5(TRPV4):c.1684G>A (p.Val562Ile)

Gene: TRPV4 (transient receptor potential cation channel subfamily V member 4; minus strand). Cytogenetic location: 12q24.11.
Variant type: single nucleotide variant.
Coding change: c.1684G>A on transcript NM_021625.5 (MANE Select); coding-DNA position 1684, G replaced by A.
Protein change: p.Val562Ile; replaces valine 562 with isoleucine.
Molecular consequence: missense variant.
Genome position (GRCh38, 1-based): chr12:109,792,792, C>T on the plus strand (G>A on the coding strand, the complement: TRPV4 is on the minus strand). VCF-style: chr12-109792792-C-T. GRCh37 (hg19) VCF-style: chr12-110230597-C-T.
Other names: p.Val562Ile; c.1543G>A, p.Val515Ile (NM_001177428.2); c.1582G>A, p.Val528Ile (NM_001177431.2); c.1363G>A, p.Val455Ile (NM_001177433.2); c.1504G>A, p.Val502Ile (NM_147204.3); short protein forms V562I, V502I, V515I, V455I, V528I.
Identifiers: ClinVar variation 193925 (VCV000193925.71), dbSNP rs56177950, ClinGen allele CA200852.

ClinVar aggregate classification (germline): Benign/Likely benign. Review status: criteria provided, multiple submitters, no conflicts (2 of 4 stars). 22 submissions from 17 submitters: Benign (15); Likely benign (3). 4 of the submissions do not count toward it. Last evaluated 2026-09-01.

Conditions:
Connective tissue disorder. Also called: Connective tissue disease. Identifiers: MedGen C0009782, MONDO:0003900.
Charcot-Marie-Tooth disease. Also called: Charcot-Marie-Tooth Hereditary Neuropathy; Charcot-Marie-Tooth Neuropathy. Identifiers: Orphanet 166, MedGen C0007959, MONDO:0015626.
Scapuloperoneal spinal muscular atrophy (SPSMA). Also called: Scapuloperoneal Spinal Muscular Atrophy, TRPV4-Related; AMYOTROPHY, NEUROGENIC SCAPULOPERONEAL, NEW ENGLAND TYPE; Scapuloperoneal Form of Spinal Muscular Atrophy; Scapuloperoneal spinal muscular atrophy, autosomal dominant. Identifiers: Orphanet 431255, MedGen C0751335, MONDO:0008408, OMIM 181405.
Neuronopathy, distal hereditary motor, autosomal dominant 8. Also called: Autosomal dominant congenital benign spinal muscular atrophy; NEURONOPATHY, DISTAL HEREDITARY MOTOR, TYPE VIII; NEUROPATHY, DISTAL HEREDITARY MOTOR, TYPE VIII; SPINAL MUSCULAR ATROPHY, CONGENITAL BENIGN, WITH CONTRACTURES. Identifiers: Orphanet 1216, MedGen C1838492, MONDO:0010839, OMIM 600175.
Metatropic dysplasia (MTD). Also called: Metatropic Dysplasia, TRPV4-Related; METATROPIC DWARFISM; Metatropic dysplasia, nonlethal dominant. Identifiers: Orphanet 2635, MedGen C0265281, MONDO:0007986, OMIM 156530.
Brachyrachia (short spine dysplasia) (BCYM3). Also called: Brachyolmia, TRPV4-Related; Autosomal dominant brachyolmia; BRACHYRACHIA; Brachyolmia Type 3. Identifiers: Orphanet 93304, MedGen C0432227, MONDO:0007232, OMIM 113500.
Charcot-Marie-Tooth disease axonal type 2C (HMSN2C). Also called: Charcot-Marie-Tooth Disease Type 2, TRPV4-Related (CMT2C); CHARCOT-MARIE-TOOTH DISEASE, AXONAL, AUTOSOMAL DOMINANT, TYPE 2C; Charcot-Marie-Tooth Neuropathy Type 2C. Identifiers: Orphanet 99937, MedGen C1853710, MONDO:0011633, OMIM 606071.
Spondylometaphyseal dysplasia, Kozlowski type (SMDK). Also called: Spondylometaphyseal Dysplasia, TRPV4-Related (Kozlowski Type); Dysmorphism arthrogryposis skeletal maturation advanced; Jequier-Kozlowski syndrome; Skeletal dysplasia Jequier-Kozlowski type; SMD Kozlowski type. Identifiers: Orphanet 93314, MedGen C0265280, MONDO:0008477, OMIM 184252.

Allele frequency attached by ClinVar (database versions not stated): 1000 Genomes Project 0.00439; 1000 Genomes Project 30x 0.00453; TOPMed 0.00644; ESP Exome Variant Server 0.00707; gnomAD 0.00755 and 0.00760; gnomAD exomes 0.00784 and 0.01022; ExAC 0.00796.
gnomAD v4.1: 15,881 of 1,613,870 alleles (0.98%); highest among the groups gnomAD compares: Non-Finnish European, 1.1%; 92 homozygotes.

Submissions (22):

CeGaT Center for Human Genetics Tuebingen
Classification: Likely benign. Last evaluated: 2026-09-01. Review status: criteria provided, single submitter. Criteria: CeGaT Center For Human Genetics Tuebingen Variant Classification Criteria Version 2. Collection method: clinical testing. Allele origin: germline. Affected: yes. Observed: 45 variant alleles.
Comment: TRPV4: PM5, BS1, BS2

Labcorp Genetics (formerly Invitae), Labcorp
Classification: Benign for Charcot-Marie-Tooth disease axonal type 2C. Last evaluated: 2026-02-03. Review status: criteria provided, single submitter. Criteria: Invitae Variant Classification Sherloc (09022015). Collection method: clinical testing. Allele origin: germline.

ARUP Laboratories, Molecular Genetics and Genomics, ARUP Laboratories
Classification: Benign. Last evaluated: 2025-07-16. Review status: criteria provided, single submitter. Criteria: ARUP Molecular Germline Variant Investigation Process 2024. Collection method: clinical testing. Allele origin: germline.

Blueprint Genetics
Classification: Likely benign. Last evaluated: 2024-11-27. Review status: criteria provided, single submitter. Criteria: ACMG Guidelines, 2015. Collection method: clinical testing. Allele origin: germline.

Genome Diagnostics Laboratory, The Hospital for Sick Children
Classification: Likely benign for Connective tissue disorder. Last evaluated: 2022-01-19. Review status: criteria provided, single submitter. Criteria: ACMG Guidelines, 2015. Collection method: clinical testing. Allele origin: germline.

Mayo Clinic Laboratories, Mayo Clinic
Classification: Benign. Last evaluated: 2021-08-05. Review status: criteria provided, single submitter. Criteria: ACMG Guidelines, 2015. Collection method: clinical testing. Allele origin: germline. Observed: 41 variant alleles.

Illumina Laboratory Services, Illumina
Classification: Benign for Spondylometaphyseal dysplasia, Kozlowski type. Last evaluated: 2018-01-13. Review status: criteria provided, single submitter. Criteria: ICSL Variant Classification Criteria 13 December 2019. Collection method: clinical testing. Allele origin: germline.
Comment: This variant was observed in the ICSL laboratory as part of a predisposition screen in an ostensibly healthy population. It had not been previously curated by ICSL or reported in the Human Gene Mutation Database (HGMD: prior to June 1st, 2018), and was therefore a candidate for classification through an automated scoring system. Utilizing variant allele frequency, disease prevalence and penetrance estimates, and inheritance mode, an automated score was calculated to assess if this variant is too frequent to cause the disease. Based on the score and internal cut-off values, a variant classified as benign is not then subjected to further curation. The score for this variant resulted in a classification of benign for this disease.

Illumina Laboratory Services, Illumina
Classification: Benign for Metatropic dysplasia. Last evaluated: 2018-01-13. Review status: criteria provided, single submitter. Criteria: ICSL Variant Classification Criteria 13 December 2019. Collection method: clinical testing. Allele origin: germline.
Comment: the same text as in the submission from Illumina Laboratory Services, Illumina above.

Illumina Laboratory Services, Illumina
Classification: Benign for Neuronopathy, distal hereditary motor, autosomal dominant 8. Last evaluated: 2018-01-13. Review status: criteria provided, single submitter. Criteria: ICSL Variant Classification Criteria 13 December 2019. Collection method: clinical testing. Allele origin: germline.
Comment: the same text as in the submission from Illumina Laboratory Services, Illumina above.

Illumina Laboratory Services, Illumina
Classification: Benign for Charcot-Marie-Tooth disease axonal type 2C. Last evaluated: 2018-01-13. Review status: criteria provided, single submitter. Criteria: ICSL Variant Classification Criteria 13 December 2019. Collection method: clinical testing. Allele origin: germline.
Comment: the same text as in the submission from Illumina Laboratory Services, Illumina above.

Illumina Laboratory Services, Illumina
Classification: Benign for Scapuloperoneal spinal muscular atrophy. Last evaluated: 2018-01-13. Review status: criteria provided, single submitter. Criteria: ICSL Variant Classification Criteria 13 December 2019. Collection method: clinical testing. Allele origin: germline.
Comment: the same text as in the submission from Illumina Laboratory Services, Illumina above.

Illumina Laboratory Services, Illumina
Classification: Benign for Brachyrachia (short spine dysplasia). Last evaluated: 2018-01-13. Review status: criteria provided, single submitter. Criteria: ICSL Variant Classification Criteria 13 December 2019. Collection method: clinical testing. Allele origin: germline.
Comment: the same text as in the submission from Illumina Laboratory Services, Illumina above.

Center for Pediatric Genomic Medicine, Children's Mercy Hospital and Clinics
Classification: Benign. Last evaluated: 2016-06-29. Review status: criteria provided, single submitter. Criteria: ACMG Guidelines, 2015. Collection method: clinical testing. Allele origin: germline.

GeneDx
Classification: Benign. Last evaluated: 2015-03-03. Review status: criteria provided, single submitter. Criteria: GeneDx Variant Classification Process June 2021. Collection method: clinical testing. Allele origin: germline. Affected: yes.

Eurofins Ntd Llc (ga)
Classification: Benign. Last evaluated: 2014-12-08. Review status: criteria provided, single submitter. Criteria: EGL Classification Definitions 2015. Collection method: clinical testing. Allele origin: germline. Observed: 1 variant allele, 1 heterozygote.

Breakthrough Genomics
Classification: Benign. Review status: criteria provided, single submitter. Criteria: ACMG Guidelines, 2015. Collection method: not provided. Allele origin: germline. Inheritance: Autosomal dominant inheritance. Affected: yes.

Molecular Genetics Laboratory, London Health Sciences Centre
Classification: Benign for Charcot-Marie-Tooth disease. Review status: criteria provided, single submitter. Criteria: ACMG Guidelines, 2015. Collection method: clinical testing. Allele origin: germline. Affected: yes.

PreventionGenetics, part of Exact Sciences
Classification: Benign. Review status: criteria provided, single submitter. Criteria: ACMG Guidelines, 2015. Collection method: clinical testing. Allele origin: germline.

Clinical Genetics, Academic Medical Center
Classification: Benign. Review status: no assertion criteria provided. Collection method: clinical testing. Allele origin: germline. Affected: yes. Study: VKGL Data-share Consensus. Not counted in ClinVar's aggregate classification.

Genome Diagnostics Laboratory, University Medical Center Utrecht
Classification: Likely benign. Review status: no assertion criteria provided. Collection method: clinical testing. Allele origin: germline. Affected: yes. Study: VKGL Data-share Consensus. Not counted in ClinVar's aggregate classification.

Joint Genome Diagnostic Labs from Nijmegen and Maastricht, Radboudumc and MUMC+
Classification: Benign. Review status: no assertion criteria provided. Collection method: clinical testing. Allele origin: germline. Affected: yes. Study: VKGL Data-share Consensus. Not counted in ClinVar's aggregate classification.

Laboratory of Diagnostic Genome Analysis, Leiden University Medical Center (LUMC)
Classification: Likely benign. Review status: no assertion criteria provided. Collection method: clinical testing. Allele origin: germline. Affected: yes. Study: VKGL Data-share Consensus. Not counted in ClinVar's aggregate classification.